The following is an entry in ClinVar:

NM_000179.3(MSH6):c.847G>C (p.Gly283Arg)

Gene: MSH6 (mutS homolog 6; plus strand). Cytogenetic location: 2p16.3.
Variant type: single nucleotide variant.
Coding change: c.847G>C on transcript NM_000179.3 (MANE Select); coding-DNA position 847, G replaced by C.
Protein change: p.Gly283Arg; replaces glycine 283 with arginine.
Molecular consequence: missense variant. On other transcripts: 5 prime UTR variant (9), non-coding transcript variant (4), intron variant (1).
Genome position (GRCh38, 1-based): chr2:47,798,830, G>C. VCF-style: chr2-47798830-G-C. GRCh37 (hg19) VCF-style: chr2-48025969-G-C.
Other names: c.847G>C, p.Gly283Arg (NM_001406803.1, NM_001406808.1, NM_001406809.1 and 4 more transcripts); c.769G>C, p.Gly257Arg (NM_001406804.1); c.550G>C, p.Gly184Arg (NM_001406805.1, NM_001406818.1, NM_001406819.1 and 10 more transcripts); c.322G>C, p.Gly108Arg (NM_001406806.1, NM_001406807.1, NM_001406799.1); c.-60G>C (NM_001406811.1, NM_001406812.1, NM_001406814.1 and 6 more transcripts); c.853G>C, p.Gly285Arg (NM_001406813.1); c.679G>C, p.Gly227Arg (NM_001406826.1); c.628-1836G>C (NM_001407362.1); and 2 more; short protein forms G184R, G227R, G257R, G108R, G153R, G283R, G285R, G315R.
Identifiers: ClinVar variation 2822967 (VCV002822967.3), dbSNP rs1432121934, ClinGen allele CA346740535.
Genomic context (GRCh38, chr2:47,798,830, plus strand): 5'-GTGGAATTTAAGCCAGACACTAAGGAGGAAGGAAGCAGTGATGAAATAAGCAGTGGAGTG[G>C]GGGATAGTGAGAGTGAAGGCCTGAACAGCCCTGTCAAAGTTGCTCGAAAGCGGAAGAGAA-3'
Protein context (NP_000170.1, residues 273-293): GSSDEISSGV[Gly283Arg]DSESEGLNSP

ClinVar aggregate classification (germline): Uncertain significance (1 of 4 stars; one submission).

Conditions:
Hereditary nonpolyposis colorectal neoplasms. Identifiers: MedGen C0009405, MeSH D003123.

Submission:

Labcorp Genetics (formerly Invitae), Labcorp
Classification: Uncertain significance for Hereditary nonpolyposis colorectal neoplasms. Last evaluated: 2023-11-27. Review status: criteria provided, single submitter. Criteria: Invitae Variant Classification Sherloc (09022015). Collection method: clinical testing. Allele origin: germline.
Comment: This sequence change replaces glycine, which is neutral and non-polar, with arginine, which is basic and polar, at codon 283 of the MSH6 protein (p.Gly283Arg). This variant is not present in population databases (gnomAD no frequency). This variant has not been reported in the literature in individuals affected with MSH6-related conditions. Advanced modeling of protein sequence and biophysical properties (such as structural, functional, and spatial information, amino acid conservation, physicochemical variation, residue mobility, and thermodynamic stability) performed at Invitae indicates that this missense variant is not expected to disrupt MSH6 protein function with a negative predictive value of 95%. In summary, the available evidence is currently insufficient to determine the role of this variant in disease. Therefore, it has been classified as a Variant of Uncertain Significance.